The following is an entry in ClinVar:

ClinVar aggregate classification (germline): Uncertain significance (1 of 4 stars; one submission).

Conditions:
FAM149B1-related disorder. Also called: FAM149B1-related condition.

Submission:

PreventionGenetics, part of Exact Sciences
Classification: Uncertain significance for FAM149B1-related condition. Last evaluated: 2025-04-25. Review status: criteria provided, single submitter. Criteria: ACMG Guidelines, 2015. Collection method: clinical testing. Allele origin: germline.
Comment: The FAM149B1 c.225_229delinsGCGCAGGGATATCTTATCTTATCC variant is predicted to result in a frameshift and premature protein termination (p.Ser75Argfs*16). To our knowledge, this variant has not been reported in the literature or in a large population database (gnomAD), indicating this variant is rare. At this time, the clinical significance of this variant is uncertain due to the absence of conclusive functional and genetic evidence.

NM_173348.2(FAM149B1):c.225_229delinsGCGCAGGGATATCTTATCTTATCC (p.Ser75fs)

Gene: FAM149B1 (family with sequence similarity 149 member B1; plus strand). Cytogenetic location: 10q22.2.
Variant type: Indel.
Coding change: c.225_229delinsGCGCAGGGATATCTTATCTTATCC on transcript NM_173348.2 (MANE Select); coding-DNA positions 225 to 229, TTATA replaced by GCGCAGGGATATCTTATCTTATCC.
Protein change: p.Ser75fs; shifts the reading frame from serine 75.
Molecular consequence: frameshift variant.
Genome position (GRCh38, 1-based): chr10:73,177,918-73,177,922, TTATA replaced by GCGCAGGGATATCTTATCTTATCC. VCF-style: chr10-73177918-TTATA-GCGCAGGGATATCTTATCTTATCC. GRCh37 (hg19) VCF-style: chr10-74937676-TTATA-GCGCAGGGATATCTTATCTTATCC.
Other names: short protein forms S75fs.
Identifiers: ClinVar variation 5001838 (VCV005001838.1).